The following is an entry in ClinVar:

ClinVar aggregate classification (germline): Uncertain significance (1 of 4 stars; one submission).

Allele frequency attached by ClinVar (database versions not stated): gnomAD exomes below 0.00001.
gnomAD v4.1: 1 of 1,609,900 alleles (0.000062%); highest among the groups gnomAD compares: Non-Finnish European, 0.000085%; no homozygotes.

Submission:

Labcorp Genetics (formerly Invitae), Labcorp
Classification: Uncertain significance. Last evaluated: 2024-03-04. Review status: criteria provided, single submitter. Criteria: Invitae Variant Classification Sherloc (09022015). Collection method: clinical testing. Allele origin: germline.
Comment: This sequence change replaces aspartic acid, which is acidic and polar, with asparagine, which is neutral and polar, at codon 4180 of the RNF213 protein (p.Asp4180Asn). This variant is not present in population databases (gnomAD no frequency). This missense change has been observed in individual(s) with Moyamoya disease (Invitae). An algorithm developed to predict the effect of missense changes on protein structure and function (PolyPhen-2) suggests that this variant is likely to be disruptive. In summary, the available evidence is currently insufficient to determine the role of this variant in disease. Therefore, it has been classified as a Variant of Uncertain Significance.

NM_001256071.3(RNF213):c.12538G>A (p.Asp4180Asn)

Genes: RNF213 (ring finger protein 213; plus strand), RNF213-AS1 (RNF213 antisense RNA 1; minus strand), LOC126862663 (BRD4-independent group 4 enhancer GRCh37_chr17:78345568-78346767; plus strand). Cytogenetic location: 17q25.3.
Variant type: single nucleotide variant.
Coding change: c.12538G>A on transcript NM_001256071.3 (MANE Select); coding-DNA position 12538, G replaced by A.
Protein change: p.Asp4180Asn; replaces aspartic acid 4180 with asparagine.
Molecular consequence: missense variant.
Genome position (GRCh38, 1-based): chr17:80,372,521, G>A. VCF-style: chr17-80372521-G-A. GRCh37 (hg19) VCF-style: chr17-78346321-G-A.
Other names: c.12685G>A, p.Asp4229Asn (NM_001410195.1, NM_020914.5); short protein forms D4229N, D4180N.
Identifiers: ClinVar variation 2702183 (VCV002702183.3), dbSNP rs2511501740, ClinGen allele CA401410239.
Genomic context (GRCh38, chr17:80,372,521, plus strand): 5'-CTTGGGGCATCCATGTTTAAAAAAATAATATCCTTTTCTTTCTTGTTCCTTGTTCCTCAG[G>A]ATTCAATACTTGAGAAGACCAGTGCTTACTCCAGAAATGATGAACTGAACCACCTAGAAG-3'
Protein context (NP_001243000.2, residues 4170-4190): LYMLFINCLE[Asp4180Asn]SILEKTSAYS